The following is an entry in ClinVar:

NM_000098.3(CPT2):c.1460A>C (p.Glu487Ala)

Gene: CPT2 (carnitine palmitoyltransferase 2; plus strand). Cytogenetic location: 1p32.3.
Variant type: single nucleotide variant.
Coding change: c.1460A>C on transcript NM_000098.3 (MANE Select); coding-DNA position 1460, A replaced by C.
Protein change: p.Glu487Ala; replaces glutamic acid 487 with alanine.
Molecular consequence: missense variant.
Genome position (GRCh38, 1-based): chr1:53,211,134, A>C. VCF-style: chr1-53211134-A-C. GRCh37 (hg19) VCF-style: chr1-53676806-A-C.
Other names: c.1460A>C, p.Glu487Ala (NM_001330589.2); short protein forms E487A.
Identifiers: ClinVar variation 197108 (VCV000197108.15), dbSNP rs368132822, ClinGen allele CA245066.

ClinVar aggregate classification (germline): Conflicting classifications of pathogenicity. Review status: criteria provided, conflicting classifications (1 of 4 stars). 4 submissions from 4 submitters: Pathogenic (1); Uncertain significance (2). 1 of the submissions does not count toward it. Last evaluated 2026-02-01.

Conditions:
Carnitine palmitoyltransferase II deficiency. Also called: Carnitine Palmitoyltransferase 2 Deficiency. Identifiers: Orphanet 157, MedGen C0342790, MONDO:0015515.

Allele frequency attached by ClinVar (database versions not stated): TOPMed 0.00002; ESP Exome Variant Server 0.00015; gnomAD exomes 0.00001 and 0.00002; gnomAD 0.00002.

Submissions (4):

Labcorp Genetics (formerly Invitae), Labcorp
Classification: Pathogenic for Carnitine palmitoyltransferase II deficiency. Last evaluated: 2026-02-01. Review status: criteria provided, single submitter. Criteria: Invitae Variant Classification Sherloc (09022015). Collection method: clinical testing. Allele origin: germline.
Comment: This sequence change replaces glutamic acid, which is acidic and polar, with alanine, which is neutral and non-polar, at codon 487 of the CPT2 protein (p.Glu487Ala). This variant is present in population databases (rs368132822, gnomAD 0.004%). This missense change has been observed in individual(s) with CPT2 deficiency (internal data). In at least one individual the data is consistent with being in trans (on the opposite chromosome) from a pathogenic variant. ClinVar contains an entry for this variant (Variation ID: 197108). Invitae Evidence Modeling of protein sequence and biophysical properties (such as structural, functional, and spatial information, amino acid conservation, physicochemical variation, residue mobility, and thermodynamic stability) indicates that this missense variant is expected to disrupt CPT2 protein function with a positive predictive value of 95%. Experimental studies have shown that this missense change affects CPT2 function (PMID: 12200419). This variant disrupts the p.Glu487 amino acid residue in CPT2. Other variant(s) that disrupt this residue have been determined to be pathogenic (PMID: 10868782). This suggests that this residue is clinically significant, and that variants that disrupt this residue are likely to be disease-causing. For these reasons, this variant has been classified as Pathogenic.

Blueprint Genetics
Classification: Uncertain significance. Last evaluated: 2023-02-16. Review status: criteria provided, single submitter. Criteria: ACMG Guidelines, 2015. Collection method: clinical testing. Allele origin: germline.

Eurofins Ntd Llc (ga)
Classification: Uncertain significance. Last evaluated: 2016-04-12. Review status: criteria provided, single submitter. Criteria: EGL Classification Definitions 2015. Collection method: clinical testing. Allele origin: germline. Observed: 2 variant alleles, 2 heterozygotes.

Natera, Inc.
Classification: Uncertain significance for Carnitine palmitoyltransferase II deficiency. Last evaluated: 2019-10-28. Review status: no assertion criteria provided. Collection method: clinical testing. Allele origin: germline. Not counted in ClinVar's aggregate classification.

Literature cited by the submitters: PubMed 12200419 (cited by Labcorp Genetics (formerly Invitae), Labcorp); PubMed 10868782 (cited by Labcorp Genetics (formerly Invitae), Labcorp).